The following is an entry in ClinVar:

ClinVar aggregate classification (germline): Likely benign. Review status: criteria provided, multiple submitters, no conflicts (2 of 4 stars). 2 submissions from 2 submitters: Likely benign (2). Last evaluated 2025-06-08.

Conditions:
Joubert syndrome. Also called: JOUBERT-BOLTSHAUSER SYNDROME; Familial aplasia of the vermis. Identifiers: Orphanet 475, MedGen C5979921, MONDO:0018772.
Meckel-Gruber syndrome. Also called: GRUBER SYNDROME; DYSENCEPHALIA SPLANCHNOCYSTICA; Dysencephalia splachnocystica. Identifiers: Orphanet 564, MedGen C0265215, MONDO:0018921.
TMEM67-related disorder. Also called: TMEM67-related disorders; TMEM67-related condition. Identifiers: MedGen CN239423.

Allele frequency attached by ClinVar (database versions not stated): TOPMed below 0.00001.

Submissions (2):

PreventionGenetics, part of Exact Sciences
Classification: Likely benign for TMEM67-related condition. Last evaluated: 2025-06-08. Review status: criteria provided, single submitter. Criteria: ACMG Guidelines, 2015. Collection method: clinical testing. Allele origin: germline.
Comment: This variant is classified as likely benign based on ACMG/AMP sequence variant interpretation guidelines (Richards et al. 2015 PMID: 25741868, with internal and published modifications).

Labcorp Genetics (formerly Invitae), Labcorp
Classification: Likely benign for Joubert syndrome; Meckel-Gruber syndrome. Last evaluated: 2023-02-22. Review status: criteria provided, single submitter. Criteria: Invitae Variant Classification Sherloc (09022015). Collection method: clinical testing. Allele origin: germline.

NM_153704.6(TMEM67):c.1317T>A (p.Thr439=)

Gene: TMEM67 (transmembrane protein 67; plus strand). Cytogenetic location: 8q22.1.
Variant type: single nucleotide variant.
Coding change: c.1317T>A on transcript NM_153704.6 (MANE Select); coding-DNA position 1317, T replaced by A.
Protein change: p.Thr439=; no amino-acid change (threonine 439 retained).
Molecular consequence: synonymous variant. On other transcripts: non-coding transcript variant (1).
Genome position (GRCh38, 1-based): chr8:93,786,251, T>A. VCF-style: chr8-93786251-T-A. GRCh37 (hg19) VCF-style: chr8-94798479-T-A.
Other names: c.1074T>A, p.Thr358= (NM_001142301.1); c.1317T>A (NM_153704.5).
Identifiers: ClinVar variation 1672548 (VCV001672548.9), dbSNP rs1814090920, ClinGen allele CA461858800.